The following is an entry in ClinVar:

NM_003315.4(DNAJC7):c.652C>G (p.Leu218Val)

Gene: DNAJC7 (DnaJ heat shock protein family (Hsp40) member C7; minus strand). Cytogenetic location: 17q21.2.
Variant type: single nucleotide variant.
Coding change: c.652C>G on transcript NM_003315.4 (MANE Select); coding-DNA position 652, C replaced by G.
Protein change: p.Leu218Val; replaces leucine 218 with valine.
Molecular consequence: missense variant. On other transcripts: non-coding transcript variant (1).
Genome position (GRCh38, 1-based): chr17:41,989,505, G>C on the plus strand (C>G on the coding strand, the complement: DNAJC7 is on the minus strand). VCF-style: chr17-41989505-G-C. GRCh37 (hg19) VCF-style: chr17-40141523-G-C.
Other names: NC_000017.10:g.40141523G>C; c.652C>G (NM_003315.3); c.484C>G, p.Leu162Val (NM_001144766.3); short protein forms L162V, L218V.
Identifiers: ClinVar variation 4421601 (VCV004421601.2).

ClinVar aggregate classification (germline): Uncertain significance (1 of 4 stars; one submission).

Conditions:
DNAJC7-related condition.

Submissions (2):

PreventionGenetics, part of Exact Sciences
Classification: Uncertain significance for DNAJC7-related condition. Last evaluated: 2025-10-16. Review status: criteria provided, single submitter. Criteria: ACMG Guidelines, 2015. Collection method: clinical testing. Allele origin: germline.
Comment: The DNAJC7 c.652C>G variant is predicted to result in the amino acid substitution p.Leu218Val. To our knowledge, this variant has not been reported in the literature or in a large population database (gnomAD), indicating this variant is rare. At this time, the clinical significance of this variant is uncertain due to the absence of conclusive functional and genetic evidence.

Dr. Peter K. Rogan Lab, Western University
No classification provided (evidence only). Condition: Ovarian serous cystadenocarcinoma. Review status: no classification provided. Collection method: in vitro. Allele origin: not applicable. Functional consequence: retained intron. Not counted in ClinVar's aggregate classification.